The following is an entry in ClinVar:

ClinVar aggregate classification (germline): Uncertain significance (1 of 4 stars; one submission).

Conditions:
Hereditary cancer-predisposing syndrome. Also called: Tumor predisposition; Hereditary Cancer Syndrome; Hereditary neoplastic syndrome; Neoplastic Syndromes, Hereditary. Identifiers: Orphanet 140162, MedGen C0027672, MeSH D009386, MONDO:0015356.

Submission:

Ambry Genetics
Classification: Uncertain significance for Hereditary cancer-predisposing syndrome. Last evaluated: 2024-05-08. Review status: criteria provided, single submitter. Criteria: Ambry Variant Classification Scheme 2023. Collection method: clinical testing. Allele origin: germline.
Comment: The p.N1830I variant (also known as c.5489A>T), located in coding exon 15 of the APC gene, results from an A to T substitution at nucleotide position 5489. The asparagine at codon 1830 is replaced by isoleucine, an amino acid with dissimilar properties. This amino acid position is conserved. In addition, in silico predictors for this gene do not accurately predict pathogenicity. Based on the available evidence, the clinical significance of this variant remains unclear.

NM_000038.6(APC):c.5489A>T (p.Asn1830Ile)

Gene: APC (APC regulator of Wnt signaling pathway; plus strand). Cytogenetic location: 5q22.2.
Variant type: single nucleotide variant.
Coding change: c.5489A>T on transcript NM_000038.6 (MANE Select); coding-DNA position 5489, A replaced by T.
Protein change: p.Asn1830Ile; replaces asparagine 1830 with isoleucine.
Molecular consequence: missense variant. On other transcripts: non-coding transcript variant (2).
Genome position (GRCh38, 1-based): chr5:112,841,083, A>T. VCF-style: chr5-112841083-A-T. GRCh37 (hg19) VCF-style: chr5-112176780-A-T.
Other names: c.5186A>T, p.Asn1729Ile (NM_001407458.1, NM_001407459.1, NM_001407460.1 and 1 more transcripts); c.5102A>T, p.Asn1701Ile (NM_001407467.1, NM_001407469.1); c.4337A>T, p.Asn1446Ile (NM_001407471.1, NM_001407472.1); c.5240A>T, p.Asn1747Ile (NM_001407454.1, NM_001407455.1, NM_001407456.1 and 1 more transcripts); c.5312A>T, p.Asn1771Ile (NM_001407453.1, NM_001354901.2); c.5459A>T, p.Asn1820Ile (NM_001407452.1); c.4640A>T, p.Asn1547Ile (NM_001407470.1, NM_001354906.2); c.5489A>T, p.Asn1830Ile (NM_001127510.3, NM_001354895.2, NM_001407450.1); and 11 more; short protein forms N1729I, N1747I, N1446I, N1670I, N1704I, N1771I, N1802I, N1812I.
Identifiers: ClinVar variation 3305265 (VCV003305265.1).